The following is an entry in ClinVar:

ClinVar aggregate classification (germline): Benign/Likely benign. Review status: criteria provided, multiple submitters, no conflicts (2 of 4 stars). 4 submissions from 4 submitters: Benign (1); Likely benign (2). 1 of the submissions does not count toward it. Last evaluated 2025-10-17.

Conditions:
ARID1B-Related Disorder. Identifiers: MedGen CN381337.

Allele frequency attached by ClinVar (database versions not stated): gnomAD 0.00005.

Submissions (4):

Labcorp Genetics (formerly Invitae), Labcorp
Classification: Benign. Last evaluated: 2025-10-17. Review status: criteria provided, single submitter. Criteria: Invitae Variant Classification Sherloc (09022015). Collection method: clinical testing. Allele origin: germline.

Laboratory of Genetics, Children's Clinical University Hospital Latvia
Classification: Likely benign. Last evaluated: 2025-02-16. Review status: criteria provided, single submitter. Criteria: ACMG Guidelines, 2015. Collection method: clinical testing. Allele origin: germline. Affected: yes.

Blueprint Genetics
Classification: Likely benign. Last evaluated: 2022-04-28. Review status: criteria provided, single submitter. Criteria: ACMG Guidelines, 2015. Collection method: clinical testing. Allele origin: germline.

PreventionGenetics, part of Exact Sciences
Classification: Likely benign for ARID1B-related condition. Last evaluated: 2022-09-28. Review status: no assertion criteria provided. Collection method: clinical testing. Allele origin: germline. Not counted in ClinVar's aggregate classification.
Comment: This variant is classified as likely benign based on ACMG/AMP sequence variant interpretation guidelines (Richards et al. 2015 PMID: 25741868, with internal and published modifications).

NM_001374828.1(ARID1B):c.981C>T (p.Pro327=)

Gene: ARID1B (AT-rich interaction domain 1B; plus strand). Cytogenetic location: 6q25.3.
Variant type: single nucleotide variant.
Coding change: c.981C>T on transcript NM_001374828.1 (MANE Select); coding-DNA position 981, C replaced by T.
Protein change: p.Pro327=; no amino-acid change (proline 327 retained).
Molecular consequence: synonymous variant.
Genome position (GRCh38, 1-based): chr6:156,778,661, C>T. VCF-style: chr6-156778661-C-T. GRCh37 (hg19) VCF-style: chr6-157099795-C-T.
Other names: c.732C>T, p.Pro244= (NM_001346813.1, NM_020732.3); c.981C>T, p.Pro327= (NM_001371656.1, NM_001374820.1, NM_017519.3); c.558C>T, p.Pro186= (NM_175863.2).
Identifiers: ClinVar variation 2735057 (VCV002735057.7), dbSNP rs1447701398, ClinGen allele CA452989390.
Genomic context (GRCh38, chr6:156,778,661, plus strand): 5'-GGCGGCCGTCCCGGAGTTTAATAATTACTATGGCAGCGCTGCCCCTGCGAGCGGCGGCCC[C>T]GGCGGCCGCGCTGGGCCTTGCTTTGATCAACATGGCGGACAACAAAGCCCCGGGATGGGG-3'
Protein context (NP_001361757.1, residues 317-337): YGSAAPASGG[Pro327=]GGRAGPCFDQ